The following is an entry in ClinVar:

NM_004360.5(CDH1):c.757_832+3del

Gene: CDH1 (cadherin 1; plus strand). Cytogenetic location: 16q22.1.
Variant type: Deletion.
Coding change: c.757_832+3del on transcript NM_004360.5 (MANE Select); coding-DNA position 757 through 3 bases into the intron after coding-DNA position 832, 79 bases deleted.
Molecular consequence: splice donor variant.
Genome position (GRCh38, 1-based): chr16:68,810,266-68,810,344, 79 bases deleted. GRCh37 (hg19): chr16:68,844,169-68,844,247.
Other names: c.-859_-784+3del (NM_001317185.2); c.-1063_-988+3del (NM_001317186.2); c.757_832+3del (NM_001317184.2).
Identifiers: ClinVar variation 1759447 (VCV001759447.1), dbSNP rs2543919002, ClinGen allele CA2580091955.

ClinVar aggregate classification (germline): Pathogenic (1 of 4 stars; one submission).

Conditions:
Hereditary cancer-predisposing syndrome. Also called: Neoplastic Syndromes, Hereditary; Tumor predisposition; Hereditary Cancer Syndrome; Hereditary neoplastic syndrome. Identifiers: Orphanet 140162, MedGen C0027672, MeSH D009386, MONDO:0015356.

Submission:

Ambry Genetics
Classification: Pathogenic for Hereditary cancer-predisposing syndrome. Last evaluated: 2019-02-11. Review status: criteria provided, single submitter. Criteria: Ambry General Variant Classification Scheme_2022. Collection method: clinical testing. Allele origin: germline. Observed: 1 variant allele.
Comment: The c.754_832del79 pathogenic mutation, located in coding exon 6 of the CDH1 gene, results from a deletion of 79 nucleotides at nucleotide positions 754 to 832, causing a translational frameshift with a predicted alternate stop codon (p.V252Efs*4). This alteration is expected to result in loss of function by premature protein truncation or nonsense-mediated mRNA decay. As such, this alteration is interpreted as a disease-causing mutation.